The following is an entry in ClinVar:

NM_014225.6(PPP2R1A):c.1130G>A (p.Cys377Tyr)

Gene: PPP2R1A (protein phosphatase 2 scaffold subunit Aalpha; plus strand). Cytogenetic location: 19q13.41.
Variant type: single nucleotide variant.
Coding change: c.1130G>A on transcript NM_014225.6 (MANE Select); coding-DNA position 1130, G replaced by A.
Protein change: p.Cys377Tyr; replaces cysteine 377 with tyrosine.
Molecular consequence: missense variant. On other transcripts: non-coding transcript variant (1).
Genome position (GRCh38, 1-based): chr19:52,219,692, G>A. VCF-style: chr19-52219692-G-A. GRCh37 (hg19) VCF-style: chr19-52722945-G-A.
Other names: c.593G>A, p.Cys198Tyr (NM_001363656.2); short protein forms C198Y, C377Y.
Identifiers: ClinVar variation 3907872 (VCV003907872.1).

ClinVar aggregate classification (germline): Uncertain significance (1 of 4 stars; one submission).

gnomAD v4.1: 1 of 1,611,294 alleles (0.000062%); highest among the groups gnomAD compares: Non-Finnish European, 0.000085%; no homozygotes.

Submission:

GeneDx
Classification: Uncertain significance. Last evaluated: 2024-12-24. Review status: criteria provided, single submitter. Criteria: GeneDx Variant Classification Process June 2021. Collection method: clinical testing. Allele origin: germline. Affected: yes.
Comment: In silico analysis supports that this missense variant has a deleterious effect on protein structure/function; Has not been previously published as pathogenic or benign to our knowledge